The following is an entry in ClinVar:

ClinVar aggregate classification (germline): Conflicting classifications of pathogenicity. Review status: criteria provided, conflicting classifications (1 of 4 stars). 20 submissions from 20 submitters: Uncertain significance (1); Benign (15); Likely benign (2). 2 of the submissions do not count toward it. Last evaluated 2026-05-20.

Conditions:
Hereditary cancer-predisposing syndrome. Also called: Tumor predisposition; Hereditary neoplastic syndrome; Hereditary Cancer Syndrome; Neoplastic Syndromes, Hereditary. Identifiers: Orphanet 140162, MedGen C0027672, MeSH D009386, MONDO:0015356.
Neurofibromatosis, familial spinal (FSNF). Identifiers: Orphanet 636, MedGen C1834235, MONDO:0008078, OMIM 162210. Disease mechanism: loss of function.
Neurofibromatosis, type 1 (NF1). Also called: NEUROFIBROMATOSIS, TYPE I, SOMATIC; VON RECKLINGHAUSEN DISEASE; Neurofibromatosis, type I; Peripheral type neurofibromatosis. Identifiers: Orphanet 636, MedGen C0027831, MONDO:0018975, OMIM 162200. Disease mechanism: loss of function.

Allele frequency attached by ClinVar (database versions not stated): gnomAD exomes 0.00036 and 0.00093; ExAC 0.00124; gnomAD 0.00370 and 0.00392; ESP Exome Variant Server 0.00384; TOPMed 0.00388; 1000 Genomes Project 0.00439; 1000 Genomes Project 30x 0.00500.
gnomAD v4.1: 1,111 of 1,614,124 alleles (0.069%); highest among the groups gnomAD compares: African/African-American, 1.3%; 8 homozygotes.

Submissions (20):

Myriad Genetics, Inc.
Classification: Benign for Neurofibromatosis, type 1. Last evaluated: 2026-05-20. Review status: criteria provided, single submitter. Criteria: Myriad Autosomal Dominant, Autosomal Recessive and X-Linked Classification Criteria (2023). Collection method: clinical testing. Allele origin: unknown.
Comment: This variant is considered benign. This variant is a silent/synonymous amino acid change and it is not expected to impact splicing.

Dasa
Classification: Likely benign. Last evaluated: 2026-03-17. Review status: criteria provided, single submitter. Criteria: DASA Assertion Criteria. Collection method: clinical testing. Allele origin: germline.
Comment: NM_001042492.3(NF1):c.3498C>T (p.Gly1166=) is a synonymous variant predicted not to alter the encoded amino acid sequence. Population frequency is inconsistent with a disease-causing role for this variant, and observations in unaffected individuals support a benign interpretation. Computational prediction algorithms are consistent with a benign effect. Therefore, based on the currently available evidence, this variant is classified as likely benign.

Labcorp Genetics (formerly Invitae), Labcorp
Classification: Benign for Neurofibromatosis, type 1. Last evaluated: 2026-02-04. Review status: criteria provided, single submitter. Criteria: Invitae Variant Classification Sherloc (09022015). Collection method: clinical testing. Allele origin: germline.

CeGaT Center for Human Genetics Tuebingen
Classification: Likely benign. Last evaluated: 2026-02-01. Review status: criteria provided, single submitter. Criteria: CeGaT Center For Human Genetics Tuebingen Variant Classification Criteria Version 2. Collection method: clinical testing. Allele origin: germline. Affected: yes. Observed: 1 variant allele.
Comment: NF1: BP4, BP7, BS1

Athena Diagnostics
Classification: Benign. Last evaluated: 2025-01-08. Review status: criteria provided, single submitter. Criteria: Athena Diagnostics Criteria. Collection method: clinical testing. Allele origin: unknown.
Comment: The frequency of this variant in the general population is higher than would generally be expected for pathogenic variants in this gene.

Quest Diagnostics Nichols Institute San Juan Capistrano
Classification: Benign. Last evaluated: 2025-01-08. Review status: criteria provided, single submitter. Criteria: Quest Diagnostics criteria. Collection method: clinical testing. Allele origin: unknown.

ARUP Laboratories, Molecular Genetics and Genomics, ARUP Laboratories
Classification: Benign. Last evaluated: 2024-12-23. Review status: criteria provided, single submitter. Criteria: ARUP Molecular Germline Variant Investigation Process 2024. Collection method: clinical testing. Allele origin: germline.

Blueprint Genetics
Classification: Benign. Last evaluated: 2024-10-02. Review status: criteria provided, single submitter. Criteria: ACMG Guidelines, 2015. Collection method: clinical testing. Allele origin: germline.

KCCC/NGS Laboratory, Kuwait Cancer Control Center
Classification: Benign for Neurofibromatosis, familial spinal. Last evaluated: 2023-07-07. Review status: criteria provided, single submitter. Criteria: ACMG Guidelines, 2015. Collection method: clinical testing. Allele origin: germline. Affected: yes.

Sema4
Classification: Benign for Hereditary cancer-predisposing syndrome. Last evaluated: 2021-06-02. Review status: criteria provided, single submitter. Criteria: Sema4 Curation Guidelines. Collection method: curation. Allele origin: germline.

Genome Diagnostics Laboratory, The Hospital for Sick Children
Classification: Benign for Neurofibromatosis, type 1. Last evaluated: 2020-10-26. Review status: criteria provided, single submitter. Criteria: ACMG Guidelines, 2015. Collection method: clinical testing. Allele origin: germline. Affected: yes.

Genetic Services Laboratory, University of Chicago
Classification: Benign. Last evaluated: 2019-06-06. Review status: criteria provided, single submitter. Criteria: ACMG Guidelines, 2015. Collection method: clinical testing. Allele origin: germline. Affected: no.

Women's Health and Genetics/Laboratory Corporation of America, LabCorp
Classification: Benign. Last evaluated: 2017-10-23. Review status: criteria provided, single submitter. Criteria: LabCorp Variant Classification Summary - May 2015. Collection method: clinical testing. Allele origin: germline.
Comment: Variant summary: The NF1 c.3498C>T (p.Gly1166Gly) variant involves the alteration of a non-conserved nucleotide, resulting in a synonymous change. One in silico tool predicts a damaging outcome for this variant. 5/5 splice prediction tools predict no significant impact on normal splicing. However, these predictions have yet to be confirmed by functional studies. This variant was found in 335/277088 control chromosomes, predominantly observed in the African subpopulation at a frequency of 0.012777 (307/24028). This frequency is about 61 times the estimated maximal expected allele frequency of a pathogenic NF1 variant (0.0002084), suggesting this is likely a benign polymorphism found primarily in the populations of African origin. In addition, multiple clinical diagnostic laboratories/reputable databases classified this variant as benign/likley benign. The variant of interest has not, to our knowledge, been reported in affected individuals via publications nor evaluated for functional impact by in vivo/vitro studies. Taken together, this variant is classified as benign.

GeneDx
Classification: Benign. Last evaluated: 2017-09-15. Review status: criteria provided, single submitter. Criteria: GeneDx Variant Classification (06012015). Collection method: clinical testing. Allele origin: germline. Affected: yes.
Comment: This variant is considered likely benign or benign based on one or more of the following criteria: it is a conservative change, it occurs at a poorly conserved position in the protein, it is predicted to be benign by multiple in silico algorithms, and/or has population frequency not consistent with disease.

Center for Human Genetics, Inc
Classification: Uncertain significance for Neurofibromatosis, type 1. Last evaluated: 2016-11-01. Review status: criteria provided, single submitter. Criteria: ACMG Guidelines, 2015. Collection method: clinical testing. Allele origin: germline. Affected: yes.

Laboratory for Molecular Medicine, Mass General Brigham Personalized Medicine
Classification: Benign. Last evaluated: 2014-11-24. Review status: criteria provided, single submitter. Criteria: LMM Criteria. Collection method: clinical testing. Allele origin: germline. Observed: 1 variant allele.
Comment: Gly1166Gly in exon 27 of NF1: This variant is not expected to have clinical sign ificance because it does not alter an amino acid residue and is not located with in the splice consensus sequence. It has been identified in 1.1% (49/4406) of Af rican American chromosomes from a broad population by the NHLBI Exome Sequencing Project (dbSNP rs2066733).

Ambry Genetics
Classification: Benign for Hereditary cancer-predisposing syndrome. Last evaluated: 2014-06-30. Review status: criteria provided, single submitter. Criteria: Ambry Autosomal Dominant and X-Linked criteria (10/2015). Collection method: clinical testing. Allele origin: germline. Observed: 1 variant allele.
Comment: General population or subpopulation frequency is too high to be a pathogenic mutation based on disease/syndrome prevalence and penetrance

PreventionGenetics, part of Exact Sciences
Classification: Benign. Review status: criteria provided, single submitter. Criteria: ACMG Guidelines, 2015. Collection method: clinical testing. Allele origin: germline.

Clinical Genetics DNA and cytogenetics Diagnostics Lab, Erasmus MC, Erasmus Medical Center
Classification: Benign. Review status: no assertion criteria provided. Collection method: clinical testing. Allele origin: germline. Affected: yes. Study: VKGL Data-share Consensus. Not counted in ClinVar's aggregate classification.

Genome Diagnostics Laboratory, Amsterdam University Medical Center
Classification: Benign. Review status: no assertion criteria provided. Collection method: clinical testing. Allele origin: germline. Affected: yes. Study: VKGL Data-share Consensus. Not counted in ClinVar's aggregate classification.

NM_001042492.3(NF1):c.3498C>T (p.Gly1166=)

Gene: NF1 (neurofibromin 1; plus strand). Cytogenetic location: 17q11.2.
Variant type: single nucleotide variant.
Coding change: c.3498C>T on transcript NM_001042492.3 (MANE Select); coding-DNA position 3498, C replaced by T.
Protein change: p.Gly1166=; no amino-acid change (glycine 1166 retained).
Molecular consequence: synonymous variant.
Genome position (GRCh38, 1-based): chr17:31,233,003, C>T. VCF-style: chr17-31233003-C-T. GRCh37 (hg19) VCF-style: chr17-29560021-C-T.
Other names: c.3498C>T, p.Gly1166= (NM_000267.4).
Identifiers: ClinVar variation 142037 (VCV000142037.47), dbSNP rs2066733, ClinGen allele CA167207.
Genomic context (GRCh38, chr17:31,233,003, plus strand): 5'-AGCAAAAATTACTTCAGCAAGGCCATGTTAGTAAATTTGCATCTGTTTGTCCACATTAGG[C>T]TTAGGTTACCACAAGGATCTCCAGACAAGAGCTACATTTATGGAAGTTCTGACAAAAATC-3'
Protein context (NP_001035957.1, residues 1156-1176): NVDSGLMHSI[Gly1166=]LGYHKDLQTR